The following is an entry in ClinVar:

NM_022455.5(NSD1):c.2114G>A (p.Ser705Asn)

Gene: NSD1 (nuclear receptor binding SET domain protein 1; plus strand). Cytogenetic location: 5q35.3.
Variant type: single nucleotide variant.
Coding change: c.2114G>A on transcript NM_022455.5 (MANE Select); coding-DNA position 2114, G replaced by A.
Protein change: p.Ser705Asn; replaces serine 705 with asparagine.
Molecular consequence: missense variant.
Genome position (GRCh38, 1-based): chr5:177,210,513, G>A. VCF-style: chr5-177210513-G-A. GRCh37 (hg19) VCF-style: chr5-176637514-G-A.
Other names: c.1241G>A, p.Ser414Asn (NM_001365684.2, NM_001409306.1, NM_001409307.1 and 3 more transcripts); c.2114G>A, p.Ser705Asn (NM_001409301.1, NM_001409302.1, NM_001409303.1); c.1694G>A, p.Ser565Asn (NM_001409304.1); c.1361G>A, p.Ser454Asn (NM_001409305.1); short protein forms S565N, S705N, S454N, S414N.
Identifiers: ClinVar variation 4626498 (VCV004626498.1).
Genomic context (GRCh38, chr5:177,210,513, plus strand): 5'-AGTATTCTAGGTTTGCTGCCACAAACACTAGGGTAAAAGCAAAACAGAAGCCTCTCATTA[G>A]TAACTCACATACAGACCACTTAATGGGTTGTACTAAGAGTGCAGAGCCTGGAACCGAGAC-3'
Protein context (NP_071900.2, residues 695-715): RVKAKQKPLI[Ser705Asn]NSHTDHLMGC

ClinVar aggregate classification (germline): Uncertain significance (1 of 4 stars; one submission).

Conditions:
Inborn genetic diseases. Identifiers: MedGen C0950123, MeSH D030342.

gnomAD v4.1: 3 of 1,614,172 alleles (0.00019%); highest among the groups gnomAD compares: South Asian, 0.0033%; no homozygotes.

Submission:

Ambry Genetics
Classification: Uncertain significance for Inborn genetic diseases. Last evaluated: 2025-09-26. Review status: criteria provided, single submitter. Criteria: Ambry Variant Classification Scheme 2023. Collection method: clinical testing. Allele origin: germline.
Comment: The c.2114G>A (p.S705N) alteration is located in exon 5 (coding exon 4) of the NSD1 gene. This alteration results from a G to A substitution at nucleotide position 2114, causing the serine (S) at amino acid position 705 to be replaced by an asparagine (N). Based on data from gnomAD, the A allele has an overall frequency of <0.001% (1/251378) total alleles studied. The highest observed frequency was 0.003% (1/30614) of South Asian alleles. Based on insufficient or conflicting evidence, the clinical significance of this alteration remains unclear.